The following is an entry in ClinVar:

NM_020806.5(GPHN):c.908C>T (p.Ser303Leu)

Gene: GPHN (gephyrin; plus strand). Cytogenetic location: 14q23.3.
Variant type: single nucleotide variant.
Coding change: c.908C>T on transcript NM_020806.5 (MANE Select); coding-DNA position 908, C replaced by T.
Protein change: p.Ser303Leu; replaces serine 303 with leucine.
Molecular consequence: missense variant.
Genome position (GRCh38, 1-based): chr14:66,965,270, C>T. VCF-style: chr14-66965270-C-T. GRCh37 (hg19) VCF-style: chr14-67431987-C-T.
Other names: c.809C>T, p.Ser270Leu (NM_001377515.1, NM_001377516.1, NM_001377517.1 and 2 more transcripts); c.848C>T, p.Ser283Leu (NM_001377519.1, NM_001377514.1); short protein forms S303L, S270L, S283L.
Identifiers: ClinVar variation 423239 (VCV000423239.9), dbSNP rs1064796317, ClinGen allele CA16619883.
Genomic context (GRCh38, chr14:66,965,270, plus strand): 5'-CTCGTGGTGTTCAGGTGCTCCCACGAGACACAGCCTCCCTCAGCACTACTCCTTCAGAAT[C>T]GCCTCGTGCTCAGGCTACATCTCGCCTCTCTACAGCTTCCTGCCCAACACCAAAAGTAAG-3'
Protein context (NP_065857.1, residues 293-313): TASLSTTPSE[Ser303Leu]PRAQATSRLS

ClinVar aggregate classification (germline): Uncertain significance. Review status: criteria provided, multiple submitters, no conflicts (2 of 4 stars). 2 submissions from 2 submitters: Uncertain significance (2). Last evaluated 2023-03-16.

Conditions:
Sulfite oxidase deficiency due to molybdenum cofactor deficiency type C. Also called: Molybdenum cofactor deficiency, complementation group C; Molybdenum cofactor deficiency C. Identifiers: Orphanet 308400, Orphanet 833, MedGen C1854990, MONDO:0014212, OMIM 615501.

Allele frequency attached by ClinVar (database versions not stated): gnomAD exomes below 0.00001; TOPMed below 0.00001.
gnomAD v4.1: 4 of 1,612,868 alleles (0.00025%); highest among the groups gnomAD compares: Admixed American, 0.0017%; no homozygotes.

Submissions (2):

Labcorp Genetics (formerly Invitae), Labcorp
Classification: Uncertain significance for Sulfite oxidase deficiency due to molybdenum cofactor deficiency type C. Last evaluated: 2023-03-16. Review status: criteria provided, single submitter. Criteria: Invitae Variant Classification Sherloc (09022015). Collection method: clinical testing. Allele origin: germline.
Comment: This variant is not present in population databases (gnomAD no frequency). In summary, the available evidence is currently insufficient to determine the role of this variant in disease. Therefore, it has been classified as a Variant of Uncertain Significance. An algorithm developed to predict the effect of missense changes on protein structure and function (PolyPhen-2) suggests that this variant is likely to be disruptive. ClinVar contains an entry for this variant (Variation ID: 423239). This variant has not been reported in the literature in individuals affected with GPHN-related conditions. This sequence change replaces serine, which is neutral and polar, with leucine, which is neutral and non-polar, at codon 303 of the GPHN protein (p.Ser303Leu).

GeneDx
Classification: Uncertain significance. Last evaluated: 2019-09-17. Review status: criteria provided, single submitter. Criteria: GeneDx Variant Classification Process June 2021. Collection method: clinical testing. Allele origin: germline. Affected: yes.
Comment: Not observed in large population cohorts (Lek et al., 2016); In silico analysis, which includes protein predictors and evolutionary conservation, supports that this variant does not alter protein structure/function; Has not been previously published as pathogenic or benign to our knowledge